The following is an entry in ClinVar:

ClinVar aggregate classification (germline): Uncertain significance (1 of 4 stars; one submission).

Submission:

Labcorp Genetics (formerly Invitae), Labcorp
Classification: Uncertain significance. Last evaluated: 2025-02-03. Review status: criteria provided, single submitter. Criteria: Invitae Variant Classification Sherloc (09022015). Collection method: clinical testing. Allele origin: germline.
Comment: This sequence change replaces alanine, which is neutral and non-polar, with valine, which is neutral and non-polar, at codon 490 of the ADGRA3 protein (p.Ala490Val). This variant is not present in population databases (gnomAD no frequency). This variant has not been reported in the literature in individuals affected with ADGRA3-related conditions. ClinVar contains an entry for this variant (Variation ID: 1488526). An algorithm developed to predict the effect of missense changes on protein structure and function (PolyPhen-2) suggests that this variant is likely to be disruptive. In summary, the available evidence is currently insufficient to determine the role of this variant in disease. Therefore, it has been classified as a Variant of Uncertain Significance.

NM_145290.4(ADGRA3):c.1469C>T (p.Ala490Val)

Gene: ADGRA3 (adhesion G protein-coupled receptor A3; minus strand). Cytogenetic location: 4p15.2.
Variant type: single nucleotide variant.
Coding change: c.1469C>T on transcript NM_145290.4 (MANE Select); coding-DNA position 1469, C replaced by T.
Protein change: p.Ala490Val; replaces alanine 490 with valine.
Molecular consequence: missense variant.
Genome position (GRCh38, 1-based): chr4:22,424,327, G>A on the plus strand (C>T on the coding strand, the complement: ADGRA3 is on the minus strand). VCF-style: chr4-22424327-G-A. GRCh37 (hg19) VCF-style: chr4-22425950-G-A.
Other names: short protein forms A490V.
Identifiers: ClinVar variation 1488526 (VCV001488526.6), dbSNP rs2109041599, ClinGen allele CA356481593.